The following is an entry in ClinVar:

NM_032806.6(POMGNT2):c.1387C>T (p.Arg463Cys)

Gene: POMGNT2 (protein O-linked mannose N-acetylglucosaminyltransferase 2 (beta 1,4-); minus strand). Cytogenetic location: 3p22.1.
Variant type: single nucleotide variant.
Coding change: c.1387C>T on transcript NM_032806.6 (MANE Select); coding-DNA position 1387, C replaced by T.
Protein change: p.Arg463Cys; replaces arginine 463 with cysteine.
Molecular consequence: missense variant.
Genome position (GRCh38, 1-based): chr3:43,080,045, G>A on the plus strand (C>T on the coding strand, the complement: POMGNT2 is on the minus strand). VCF-style: chr3-43080045-G-A. GRCh37 (hg19) VCF-style: chr3-43121537-G-A.
Other names: c.1387C>T (NM_032806.4); short protein forms R463C.
Identifiers: ClinVar variation 654869 (VCV000654869.4), dbSNP rs376177936, ClinGen allele CA2339858.

ClinVar aggregate classification (germline): Uncertain significance. Review status: criteria provided, multiple submitters, no conflicts (2 of 4 stars). 3 submissions from 3 submitters: Uncertain significance (3). Last evaluated 2025-05-20.

Conditions:
Muscular dystrophy-dystroglycanopathy (congenital with brain and eye anomalies), type a, 8 (MDDGA8). Also called: WALKER-WARBURG SYNDROME OR MUSCLE-EYE-BRAIN DISEASE, GTDC2-RELATED. Identifiers: Orphanet 899, MedGen C3553813, MONDO:0013904, OMIM 614830.
Inborn genetic diseases. Identifiers: MedGen C0950123, MeSH D030342.

Allele frequency attached by ClinVar (database versions not stated): gnomAD 0.00005 and 0.00003; gnomAD exomes 0.00002 and 0.00004; TOPMed 0.00003; ExAC 0.00004; ESP Exome Variant Server 0.00008.

Submissions (3):

Ambry Genetics
Classification: Uncertain significance for Inborn genetic diseases. Last evaluated: 2025-05-20. Review status: criteria provided, single submitter. Criteria: Ambry Variant Classification Scheme 2023. Collection method: clinical testing. Allele origin: germline.

GeneDx
Classification: Uncertain significance. Last evaluated: 2023-07-27. Review status: criteria provided, single submitter. Criteria: GeneDx Variant Classification Process June 2021. Collection method: clinical testing. Allele origin: germline. Affected: yes.
Comment: Not observed at significant frequency in large population cohorts (gnomAD); In silico analysis supports that this missense variant does not alter protein structure/function; Has not been previously published as pathogenic or benign to our knowledge

Labcorp Genetics (formerly Invitae), Labcorp
Classification: Uncertain significance for Muscular dystrophy-dystroglycanopathy (congenital with brain and eye anomalies), type a, 8. Last evaluated: 2022-08-22. Review status: criteria provided, single submitter. Criteria: Invitae Variant Classification Sherloc (09022015). Collection method: clinical testing. Allele origin: germline.
Comment: This sequence change replaces arginine, which is basic and polar, with cysteine, which is neutral and slightly polar, at codon 463 of the POMGNT2 protein (p.Arg463Cys). This variant is present in population databases (rs376177936, gnomAD 0.01%). This variant has not been reported in the literature in individuals affected with POMGNT2-related conditions. ClinVar contains an entry for this variant (Variation ID: 654869). Algorithms developed to predict the effect of missense changes on protein structure and function are either unavailable or do not agree on the potential impact of this missense change (SIFT: "Deleterious"; PolyPhen-2: "Benign"; Align-GVGD: "Class C0"). Algorithms developed to predict the effect of sequence changes on RNA splicing suggest that this variant may create or strengthen a splice site. In summary, the available evidence is currently insufficient to determine the role of this variant in disease. Therefore, it has been classified as a Variant of Uncertain Significance.